The following is an entry in ClinVar:

ClinVar aggregate classification (germline): Conflicting classifications of pathogenicity. Review status: criteria provided, conflicting classifications (1 of 4 stars). 7 submissions from 7 submitters: Pathogenic (1); Likely pathogenic (5); Uncertain significance (1). Last evaluated 2026-07-28.

Conditions:
Inborn genetic diseases. Identifiers: MedGen C0950123, MeSH D030342.
ADSL-related disorder. Also called: ADSL-related condition.
Adenylosuccinate lyase deficiency (ADSLD). Also called: ADSL DEFICIENCY. Identifiers: Orphanet 46, MedGen C0268126, MONDO:0007068, OMIM 103050.

Allele frequency attached by ClinVar (database versions not stated): ExAC 0.00001; gnomAD 0.00001; gnomAD exomes 0.00002 and 0.00004; TOPMed 0.00003.
gnomAD v4.1: 23 of 1,613,966 alleles (0.0014%); highest among the groups gnomAD compares: Non-Finnish European, 0.0019%; no homozygotes.

Submissions (7):

GeneDx
Classification: Likely pathogenic. Last evaluated: 2026-07-28. Review status: criteria provided, single submitter. Criteria: GeneDx Variant Classification Process June 2021. Collection method: clinical testing. Allele origin: germline.
Comment: Not observed at significant frequency in large population cohorts (gnomAD); In silico analysis suggests that this missense variant does not alter protein structure/function; This variant is associated with the following publications: (PMID: 35478072, 24781210, 16839792)

Labcorp Genetics (formerly Invitae), Labcorp
Classification: Pathogenic for Adenylosuccinate lyase deficiency. Last evaluated: 2026-01-12. Review status: criteria provided, single submitter. Criteria: Invitae Variant Classification Sherloc (09022015). Collection method: clinical testing. Allele origin: germline.
Comment: This sequence change replaces serine, which is neutral and polar, with proline, which is neutral and non-polar, at codon 448 of the ADSL protein (p.Ser448Pro). This variant is present in population databases (rs771121666, gnomAD 0.003%). This missense change has been observed in individual(s) with clinical features of ADSL-related conditions (PMID: 16839792, 24781210; internal data). ClinVar contains an entry for this variant (Variation ID: 235410). Invitae Evidence Modeling of protein sequence and biophysical properties (such as structural, functional, and spatial information, amino acid conservation, physicochemical variation, residue mobility, and thermodynamic stability) indicates that this missense variant is not expected to disrupt ADSL protein function with a negative predictive value of 80%. For these reasons, this variant has been classified as Pathogenic.

Women's Health and Genetics/Laboratory Corporation of America, LabCorp
Classification: Likely pathogenic for Adenylosuccinate lyase deficiency. Last evaluated: 2025-10-06. Review status: criteria provided, single submitter. Criteria: LabCorp Variant Classification Summary - May 2015. Collection method: clinical testing. Allele origin: germline.
Comment: Variant summary: ADSL c.1342T>C (p.Ser448Pro) results in a non-conservative amino acid change located in the Adenylosuccinate lyase C-terminal (IPR019468) of the encoded protein sequence. Algorithms developed to predict the effect of missense changes on protein structure and function all suggest that this variant is likely to be disruptive. The variant allele was found at a frequency of 2e-05 in 251482 control chromosomes. c.1342T>C has been reported in the literature in individuals affected with Adenylosuccinate Lyase Deficiency (Spiegel_2006, Michael_2014, internal data). These data indicate that the variant may be associated with disease. To our knowledge, no experimental evidence demonstrating an impact on protein function has been reported. The following publications have been ascertained in the context of this evaluation (PMID: 24781210, 16839792). ClinVar contains an entry for this variant (Variation ID: 235410). Based on the evidence outlined above, the variant was classified as likely pathogenic.

Blueprint Genetics
Classification: Likely pathogenic for ADSL-related disorders. Last evaluated: 2024-08-16. Review status: criteria provided, single submitter. Criteria: ACMG Guidelines, 2015. Collection method: clinical testing. Allele origin: germline. Affected: yes. Observed: 5 variant alleles.

Ambry Genetics
Classification: Uncertain significance for Inborn genetic diseases. Last evaluated: 2022-06-16. Review status: criteria provided, single submitter. Criteria: Ambry Variant Classification Scheme 2023. Collection method: clinical testing. Allele origin: germline.

Baylor Genetics
Classification: Likely pathogenic for Adenylosuccinate lyase deficiency. Last evaluated: 2018-07-12. Review status: criteria provided, single submitter. Criteria: ACMG Guidelines, 2015. Collection method: clinical testing. Allele origin: maternal. Affected: yes.
Comment: This variant was determined to be likely pathogenic according to ACMG Guidelines, 2015 [PMID:25741868]. This variant has been previously reported in two unrelated patients with ADSL deficiency in compound heterozygous with other variants [PMID 16839792, 24781210]

Center for Pediatric Genomic Medicine, Children's Mercy Hospital and Clinics
Classification: Likely pathogenic. Last evaluated: 2016-05-05. Review status: criteria provided, single submitter. Criteria: ACMG Guidelines, 2015. Collection method: clinical testing. Allele origin: germline.

Literature cited by the submitters: PubMed 16839792 (cited by 4 submitters); PubMed 24781210 (cited by 4 submitters).

NM_000026.4(ADSL):c.1342T>C (p.Ser448Pro)

Gene: ADSL (adenylosuccinate lyase; plus strand). Cytogenetic location: 22q13.1.
Variant type: single nucleotide variant.
Coding change: c.1342T>C on transcript NM_000026.4 (MANE Select); coding-DNA position 1342, T replaced by C.
Protein change: p.Ser448Pro; replaces serine 448 with proline.
Molecular consequence: missense variant. On other transcripts: non-coding transcript variant (1), intron variant (1).
Genome position (GRCh38, 1-based): chr22:40,365,030, T>C. VCF-style: chr22-40365030-T-C. GRCh37 (hg19) VCF-style: chr22-40761034-T-C.
Other names: c.1150T>C, p.Ser384Pro (NM_001317923.2); c.1342T>C, p.Ser448Pro (NM_001363840.3); c.1191+665T>C (NM_001123378.3); c.1342T>C (NM_000026.3); short protein forms S448P, S384P.
Identifiers: ClinVar variation 235410 (VCV000235410.18), dbSNP rs771121666, ClinGen allele CA10247981.